The following is an entry in ClinVar:

ClinVar aggregate classification (germline): Likely pathogenic (1 of 4 stars; one submission).

Submission:

Labcorp Genetics (formerly Invitae), Labcorp
Classification: Likely pathogenic. Last evaluated: 2020-09-15. Review status: criteria provided, single submitter. Criteria: Invitae Variant Classification Sherloc (09022015). Collection method: clinical testing. Allele origin: germline.
Comment: In summary, the currently available evidence indicates that the variant is pathogenic, but additional data are needed to prove that conclusively. Therefore, this variant has been classified as Likely Pathogenic. This variant disrupts the p.His402 amino acid residue in FH. Other variant(s) that disrupt this residue have been determined to be pathogenic (Invitae). This suggests that this residue is clinically significant, and that variants that disrupt this residue are likely to be disease-causing. This sequence change replaces histidine with leucine at codon 402 of the FH protein (p.His402Leu). The histidine residue is highly conserved and there is a moderate physicochemical difference between histidine and leucine. This variant is not present in population databases (ExAC no frequency). This variant has not been reported in the literature in individuals with FH-related conditions. Advanced modeling of protein sequence and biophysical properties (such as structural, functional, and spatial information, amino acid conservation, physicochemical variation, residue mobility, and thermodynamic stability) performed at Invitae indicates that this missense variant is expected to disrupt FH protein function.

NM_000143.4(FH):c.1205A>T (p.His402Leu)

Gene: FH (fumarate hydratase; minus strand). Cytogenetic location: 1q43.
Variant type: single nucleotide variant.
Coding change: c.1205A>T on transcript NM_000143.4 (MANE Select); coding-DNA position 1205, A replaced by T.
Protein change: p.His402Leu; replaces histidine 402 with leucine.
Molecular consequence: missense variant.
Genome position (GRCh38, 1-based): chr1:241,502,474, T>A on the plus strand (A>T on the coding strand, the complement: FH is on the minus strand). VCF-style: chr1-241502474-T-A. GRCh37 (hg19) VCF-style: chr1-241665774-T-A.
Other names: short protein forms H402L.
Identifiers: ClinVar variation 1068226 (VCV001068226.47), dbSNP rs886039366, ClinGen allele CA345437331.